The following is an entry in ClinVar:

NM_001366385.1(CARD14):c.1982A>T (p.Tyr661Phe)

Genes: CARD14 (caspase recruitment domain family member 14; plus strand), SGSH (N-sulfoglucosamine sulfohydrolase; minus strand). Cytogenetic location: 17q25.3.
Variant type: single nucleotide variant.
Coding change: c.1982A>T on transcript NM_001366385.1 (MANE Select); coding-DNA position 1982, A replaced by T.
Protein change: p.Tyr661Phe; replaces tyrosine 661 with phenylalanine.
Molecular consequence: missense variant. On other transcripts: non-coding transcript variant (1).
Genome position (GRCh38, 1-based): chr17:80,202,183, A>T. VCF-style: chr17-80202183-A-T. GRCh37 (hg19) VCF-style: chr17-78175982-A-T.
Other names: c.1982A>T, p.Tyr661Phe (NM_001257970.1, NM_024110.4); short protein forms Y661F.
Identifiers: ClinVar variation 1721109 (VCV001721109.6), dbSNP rs763973976, ClinGen allele CA401353155.

ClinVar aggregate classification (germline): Uncertain significance (1 of 4 stars; one submission).

Conditions:
Pityriasis rubra pilaris (PRP). Also called: Pityriasis rubra pilaris--familial type. Identifiers: Orphanet 2897, MedGen C0032027, MONDO:0100017, OMIM 173200, MONDO:0008251.
Psoriasis 2. Identifiers: MedGen C1864497, MONDO:0011269, OMIM 602723.

Submission:

Labcorp Genetics (formerly Invitae), Labcorp
Classification: Uncertain significance for Pityriasis rubra pilaris; Psoriasis 2. Last evaluated: 2022-07-27. Review status: criteria provided, single submitter. Criteria: Invitae Variant Classification Sherloc (09022015). Collection method: clinical testing. Allele origin: germline.
Comment: In summary, the available evidence is currently insufficient to determine the role of this variant in disease. Therefore, it has been classified as a Variant of Uncertain Significance. Algorithms developed to predict the effect of missense changes on protein structure and function are either unavailable or do not agree on the potential impact of this missense change (SIFT: "Deleterious"; PolyPhen-2: "Probably Damaging"; Align-GVGD: "Class C15"). This variant has not been reported in the literature in individuals affected with CARD14-related conditions. This variant is not present in population databases (gnomAD no frequency). This sequence change replaces tyrosine, which is neutral and polar, with phenylalanine, which is neutral and non-polar, at codon 661 of the CARD14 protein (p.Tyr661Phe).